The following is an entry in ClinVar:

ClinVar aggregate classification (germline): Uncertain significance (1 of 4 stars; one submission).

Submission:

Ambry Genetics
Classification: Uncertain significance. Last evaluated: 2026-09-06. Review status: criteria provided, single submitter. Criteria: Ambry Variant Classification Scheme 2023. Collection method: clinical testing. Allele origin: germline.
Comment: The p.H230Q variant (also known as c.690C>G), located in coding exon 6 of the KIF1B gene, results from a C to G substitution at nucleotide position 690. The histidine at codon 230 is replaced by glutamine, an amino acid with highly similar properties. This amino acid position is conserved. In addition, this alteration is predicted to be tolerated by in silico analysis. Based on the available evidence, the clinical significance of this variant remains unclear.

NM_001365951.3(KIF1B):c.690C>G (p.His230Gln)

Gene: KIF1B (kinesin family member 1B; plus strand). Cytogenetic location: 1p36.22.
Variant type: single nucleotide variant.
Coding change: c.690C>G on transcript NM_001365951.3 (MANE Select); coding-DNA position 690, C replaced by G.
Protein change: p.His230Gln; replaces histidine 230 with glutamine.
Molecular consequence: missense variant.
Genome position (GRCh38, 1-based): chr1:10,268,233, C>G. VCF-style: chr1-10268233-C-G. GRCh37 (hg19) VCF-style: chr1-10328291-C-G.
Other names: c.690C>G, p.His230Gln (NM_001365952.1, NM_001365953.1, NM_015074.3 and 1 more transcripts); short protein forms H230Q.
Identifiers: ClinVar variation 5023236 (VCV005023236.1).
Genomic context (GRCh38, chr1:10,268,233, plus strand): 5'-GAATGAAACAAGTAGCCGTTCCCACGCTGTGTTTACGATTGTTTTCACCCAGAAGAAACA[C>G]GATAATGAGACCAACCTTTCCACTGAGAAGGTAGGAGAGTTTCAGTCTCTAGGCTTGAGT-3'
Protein context (NP_001352880.1, residues 220-240): VFTIVFTQKK[His230Gln]DNETNLSTEK